The following is an entry in ClinVar:

ClinVar aggregate classification (germline): Uncertain significance (1 of 4 stars; one submission).

Conditions:
Inborn genetic diseases. Identifiers: MedGen C0950123, MeSH D030342.

Submission:

Ambry Genetics
Classification: Uncertain significance for Inborn genetic diseases. Last evaluated: 2021-08-11. Review status: criteria provided, single submitter. Criteria: Ambry Variant Classification Scheme 2023. Collection method: clinical testing. Allele origin: germline.
Comment: The p.I774M variant (also known as c.2322A>G), located in coding exon 10 of the ATR gene, results from an A to G substitution at nucleotide position 2322. The isoleucine at codon 774 is replaced by methionine, an amino acid with highly similar properties. This amino acid position is conserved. In addition, this alteration is predicted to be tolerated by in silico analysis. Since supporting evidence is limited at this time, the clinical significance of this alteration remains unclear.

NM_001184.4(ATR):c.2322A>G (p.Ile774Met)

Gene: ATR (ATR checkpoint kinase; minus strand). Cytogenetic location: 3q23.
Variant type: single nucleotide variant.
Coding change: c.2322A>G on transcript NM_001184.4 (MANE Select); coding-DNA position 2322, A replaced by G.
Protein change: p.Ile774Met; replaces isoleucine 774 with methionine.
Molecular consequence: missense variant.
Genome position (GRCh38, 1-based): chr3:142,555,896, T>C on the plus strand (A>G on the coding strand, the complement: ATR is on the minus strand). VCF-style: chr3-142555896-T-C. GRCh37 (hg19) VCF-style: chr3-142274738-T-C.
Other names: c.2130A>G, p.Ile710Met (NM_001354579.2); short protein forms I710M, I774M.
Identifiers: ClinVar variation 1789590 (VCV001789590.2), dbSNP rs2473393849, ClinGen allele CA354818359.